The following is an entry in ClinVar:

NM_012292.5(ARHGAP45):c.3261C>T (p.Asp1087=)

Gene: ARHGAP45 (Rho GTPase activating protein 45; plus strand). Cytogenetic location: 19p13.3.
Variant type: single nucleotide variant.
Coding change: c.3261C>T on transcript NM_012292.5 (MANE Select); coding-DNA position 3261, C replaced by T.
Protein change: p.Asp1087=; no amino-acid change (aspartic acid 1087 retained).
Molecular consequence: synonymous variant.
Genome position (GRCh38, 1-based): chr19:1,085,856, C>T. VCF-style: chr19-1085856-C-T. GRCh37 (hg19) VCF-style: chr19-1085855-C-T.
Other names: c.3309C>T, p.Asp1103= (NM_001258328.4); c.2166C>T, p.Asp722= (NM_001282334.2); c.2910C>T, p.Asp970= (NM_001282335.3); c.3273C>T, p.Asp1091= (NM_001321232.2).
Identifiers: ClinVar variation 4872613 (VCV004872613.2).

ClinVar aggregate classification (germline): Likely benign (1 of 4 stars; one submission).

gnomAD v4.1: 247 of 1,612,880 alleles (0.015%); highest among the groups gnomAD compares: Middle Eastern, 0.049%; 1 homozygote.

Submission:

CeGaT Center for Human Genetics Tuebingen
Classification: Likely benign. Last evaluated: 2026-07-01. Review status: criteria provided, single submitter. Criteria: CeGaT Center For Human Genetics Tuebingen Variant Classification Criteria Version 2. Collection method: clinical testing. Allele origin: germline. Affected: yes. Observed: 1 variant allele.
Comment: ARHGAP45: BP4, BP7